The following is an entry in ClinVar:

ClinVar aggregate classification (germline): Uncertain significance (1 of 4 stars; one submission).

Conditions:
Duchenne muscular dystrophy (DMD). Also called: MUSCULAR DYSTROPHY, PSEUDOHYPERTROPHIC PROGRESSIVE, DUCHENNE TYPE; Duchenne Muscular Dystrophy (DMD). Identifiers: Orphanet 98896, MedGen C0013264, MONDO:0010679, OMIM 310200.

Submission:

Labcorp Genetics (formerly Invitae), Labcorp
Classification: Uncertain significance for Duchenne muscular dystrophy. Last evaluated: 2024-06-04. Review status: criteria provided, single submitter. Criteria: Invitae Variant Classification Sherloc (09022015). Collection method: clinical testing. Allele origin: germline.
Comment: This sequence change replaces glutamic acid, which is acidic and polar, with lysine, which is basic and polar, at codon 761 of the DMD protein (p.Glu761Lys). This variant is not present in population databases (gnomAD no frequency). This variant has not been reported in the literature in individuals affected with DMD-related conditions. Advanced modeling of protein sequence and biophysical properties (such as structural, functional, and spatial information, amino acid conservation, physicochemical variation, residue mobility, and thermodynamic stability) performed at Invitae indicates that this missense variant is not expected to disrupt DMD protein function with a negative predictive value of 95%. In summary, the available evidence is currently insufficient to determine the role of this variant in disease. Therefore, it has been classified as a Variant of Uncertain Significance.

NM_004006.3(DMD):c.2281G>A (p.Glu761Lys)

Gene: DMD (dystrophin; minus strand). Cytogenetic location: Xp21.1.
Variant type: single nucleotide variant.
Coding change: c.2281G>A on transcript NM_004006.3 (MANE Select); coding-DNA position 2281, G replaced by A.
Protein change: p.Glu761Lys; replaces glutamic acid 761 with lysine.
Molecular consequence: missense variant.
Genome position (GRCh38, 1-based): chrX:32,518,019, C>T on the plus strand (G>A on the coding strand, the complement: DMD is on the minus strand). VCF-style: chrX-32518019-C-T. GRCh37 (hg19) VCF-style: chrX-32536136-C-T.
Other names: c.2257G>A, p.Glu753Lys (NM_000109.4); c.2269G>A, p.Glu757Lys (NM_004009.3); c.1912G>A, p.Glu638Lys (NM_004010.3); short protein forms E638K, E761K, E757K, E753K.
Identifiers: ClinVar variation 3634853 (VCV003634853.2).